The following is an entry in ClinVar:

ClinVar aggregate classification (germline): Uncertain significance (1 of 4 stars; one submission).

Submission:

Dasa
Classification: Uncertain significance. Last evaluated: 2026-08-04. Review status: criteria provided, single submitter. Criteria: DASA Assertion Criteria. Collection method: clinical testing. Allele origin: germline.
Comment: NM_032892.5(FRMD5):c.946C>T (p.Arg316Trp) is a missense variant that results in the substitution of arginine with tryptophan. This variant is rare in population databases. Computational prediction algorithms are consistent with a deleterious effect. The currently available literature and clinical evidence are not sufficient to establish a definitive association between this variant and the reported condition. Therefore, this variant is classified as a variant of uncertain significance.

NM_032892.5(FRMD5):c.946C>T (p.Arg316Trp)

Gene: FRMD5 (FERM domain containing 5; minus strand). Cytogenetic location: 15q15.3.
Variant type: single nucleotide variant.
Coding change: c.946C>T on transcript NM_032892.5 (MANE Select); coding-DNA position 946, C replaced by T.
Protein change: p.Arg316Trp; replaces arginine 316 with tryptophan.
Molecular consequence: missense variant. On other transcripts: non-coding transcript variant (1).
Genome position (GRCh38, 1-based): chr15:43,885,694, G>A on the plus strand (C>T on the coding strand, the complement: FRMD5 is on the minus strand). VCF-style: chr15-43885694-G-A. GRCh37 (hg19) VCF-style: chr15-44177892-G-A.
Other names: c.664C>T, p.Arg222Trp (NM_001286490.2); c.244C>T, p.Arg82Trp (NM_001286491.2); c.946C>T, p.Arg316Trp (NM_001322949.2, NM_001322950.2, NM_001411124.1); c.841C>T, p.Arg281Trp (NM_001322951.2); short protein forms R222W, R281W, R316W, R82W.
Identifiers: ClinVar variation 5020644 (VCV005020644.1).